The following is an entry in ClinVar:

NM_000520.5(HEXA):c.-593T>C

Genes: HEXA (hexosaminidase subunit alpha; minus strand), HEXA-AS1 (HEXA antisense RNA 1; plus strand). Cytogenetic location: 15q23.
Variant type: single nucleotide variant.
Coding change: c.-593T>C on transcript NM_000520.5; 593 bases upstream of the start codon, T replaced by C.
Molecular consequence: non-coding transcript variant (on NR_027262.1).
Genome position (GRCh38, 1-based): chr15:72,376,565, A>G on the plus strand (T>C on the coding strand, the complement: HEXA is on the minus strand). VCF-style: chr15-72376565-A-G. GRCh37 (hg19) VCF-style: chr15-72668906-A-G.
Identifiers: ClinVar variation 1698656 (VCV001698656.1), dbSNP rs1483623884, ClinGen allele CA491134371.

ClinVar aggregate classification (germline): Uncertain significance (1 of 4 stars; one submission).

Allele frequency attached by ClinVar (database versions not stated): gnomAD 0.00002; gnomAD exomes 0.00002; TOPMed 0.00006.

Submission:

Women's Health and Genetics/Laboratory Corporation of America, LabCorp
Classification: Uncertain significance. Last evaluated: 2022-06-29. Review status: criteria provided, single submitter. Criteria: LabCorp Variant Classification Summary - May 2015. Collection method: clinical testing. Allele origin: germline.
Comment: Variant summary: HEXA c.-593T>C is located in the untranscribed region upstream of the HEXA gene region. The variant allele was found at a frequency of 6.4e-05 in 31402 control chromosomes. The available data on variant occurrences in the general population are insufficient to allow any conclusion about variant significance. To our knowledge, no occurrence of c.-593T>C in individuals affected with Tay-Sachs Disease and no experimental evidence demonstrating its impact on protein function have been reported. No clinical diagnostic laboratories have submitted clinical-significance assessments for this variant to ClinVar after 2014. Based on the evidence outlined above, the variant was classified as uncertain significance.